The following is an entry in ClinVar:

ClinVar aggregate classification (germline): Pathogenic (1 of 4 stars; one submission).

Conditions:
Hereditary cancer-predisposing syndrome. Also called: Tumor predisposition; Hereditary Cancer Syndrome; Hereditary neoplastic syndrome; Neoplastic Syndromes, Hereditary. Identifiers: Orphanet 140162, MedGen C0027672, MeSH D009386, MONDO:0015356.

Submission:

Ambry Genetics
Classification: Pathogenic for Hereditary cancer-predisposing syndrome. Last evaluated: 2023-06-26. Review status: criteria provided, single submitter. Criteria: Ambry Variant Classification Scheme 2023. Collection method: clinical testing. Allele origin: germline.
Comment: The c.1346_1359delins10 variant, located in coding exon 10 of the BMPR1A gene, results from the deletion of 14 nucleotides and insertion of 10 nucleotides causing a translational frameshift with a predicted alternate stop codon (p.I449Kfs*48). This alteration occurs at the 3' terminus of theBMPR1A gene, is not expected to trigger nonsense-mediated mRNA decay, and only impacts the last 84 amino acids of the protein. However, premature stop codons are typically deleterious in nature and the impacted region is critical for protein function (Ambry internal data). This variant is considered to be rare based on population cohorts in the Genome Aggregation Database (gnomAD). Based on the supporting evidence, this alteration is interpreted as a disease-causing mutation.

NM_004329.3(BMPR1A):c.1346_1359delinsAGAATACCCT (p.Ile449fs)

Gene: BMPR1A (bone morphogenetic protein receptor type 1A; plus strand). Cytogenetic location: 10q23.2.
Variant type: Indel.
Coding change: c.1346_1359delinsAGAATACCCT on transcript NM_004329.3 (MANE Select); coding-DNA positions 1346 to 1359, TCGTGGAAGAATAC replaced by AGAATACCCT.
Protein change: p.Ile449fs; shifts the reading frame from isoleucine 449.
Molecular consequence: frameshift variant. On other transcripts: non-coding transcript variant (3).
Genome position (GRCh38, 1-based): chr10:86,923,379-86,923,392, TCGTGGAAGAATAC replaced by AGAATACCCT. VCF-style: chr10-86923379-TCGTGGAAGAATAC-AGAATACCCT. GRCh37 (hg19) VCF-style: chr10-88683136-TCGTGGAAGAATAC-AGAATACCCT.
Other names: c.1421_1434delinsAGAATACCCT, p.Ile474fs (NM_001406559.1); c.1394_1407delinsAGAATACCCT, p.Ile465fs (NM_001406560.1); c.1346_1359delinsAGAATACCCT, p.Ile449fs (NM_001406561.1, NM_001406562.1, NM_001406563.1 and 19 more transcripts); c.1340_1353delinsAGAATACCCT, p.Ile447fs (NM_001406583.1); c.1262_1275delinsAGAATACCCT, p.Ile421fs (NM_001406584.1, NM_001406585.1, NM_001406586.1 and 2 more transcripts); c.1004_1017delinsAGAATACCCT, p.Ile335fs (NM_001406589.1); c.1346_1359delTCGTGGAAGAATACinsAGAATACCCT, p.Ile449Lysfs (NM_004329.2); short protein forms I447fs, I474fs, I335fs, I421fs, I449fs, I465fs.
Identifiers: ClinVar variation 2626626 (VCV002626626.2), dbSNP rs2539647790, ClinGen allele CA2582342696.
Genomic context (GRCh38, chr10:86,923,379, plus strand): 5'-TTGGTATATCTTGTCCAGCAACCATTTTTGTGCCCATGTTTTCTCATTCCCTTATAGGGA[TCGTGGAAGAATAC>AGAATACCCT]CAATTGCCATATTACAACATGGTACCGAGTGATCCGTCATACGAAGATATGCGTGAGGTT-3'